The following is an entry in ClinVar:

NM_016507.4(CDK12):c.2974G>T (p.Ala992Ser)

Gene: CDK12 (cyclin dependent kinase 12; plus strand). Cytogenetic location: 17q12.
Variant type: single nucleotide variant.
Coding change: c.2974G>T on transcript NM_016507.4 (MANE Select); coding-DNA position 2974, G replaced by T.
Protein change: p.Ala992Ser; replaces alanine 992 with serine.
Molecular consequence: missense variant.
Genome position (GRCh38, 1-based): chr17:39,519,966, G>T. VCF-style: chr17-39519966-G-T. GRCh37 (hg19) VCF-style: chr17-37676219-G-T.
Other names: c.2974G>T, p.Ala992Ser (NM_015083.4); short protein forms A992S.
Identifiers: ClinVar variation 3999367 (VCV003999367.1).

ClinVar aggregate classification (germline): Uncertain significance (1 of 4 stars; one submission).

gnomAD v4.1: 1 of 1,613,864 alleles (0.000062%); highest among the groups gnomAD compares: Non-Finnish European, 0.000085%; no homozygotes.

Submission:

Ambry Genetics
Classification: Uncertain significance. Last evaluated: 2025-04-18. Review status: criteria provided, single submitter. Criteria: Ambry Variant Classification Scheme 2023. Collection method: clinical testing. Allele origin: germline.
Comment: The p.A992S variant (also known as c.2974G>T), located in coding exon 11 of the CDK12 gene, results from a G to T substitution at nucleotide position 2974. The alanine at codon 992 is replaced by serine, an amino acid with similar properties. This amino acid position is conserved. In addition, this alteration is predicted to be tolerated by in silico analysis. Based on the available evidence, the clinical significance of this variant remains unclear.